The following is an entry in ClinVar:

NM_001378183.1(PIEZO2):c.6969C>A (p.Ala2323=)

Gene: PIEZO2 (piezo type mechanosensitive ion channel component 2; minus strand). Cytogenetic location: 18p11.22.
Variant type: single nucleotide variant.
Coding change: c.6969C>A on transcript NM_001378183.1 (MANE Select); coding-DNA position 6969, C replaced by A.
Protein change: p.Ala2323=; no amino-acid change (alanine 2323 retained).
Molecular consequence: synonymous variant.
Genome position (GRCh38, 1-based): chr18:10,696,398, G>T on the plus strand (C>A on the coding strand, the complement: PIEZO2 is on the minus strand). VCF-style: chr18-10696398-G-T. GRCh37 (hg19) VCF-style: chr18-10696396-G-T.
Other names: c.6705C>A, p.Ala2235= (NM_001410871.1); c.6630C>A, p.Ala2210= (NM_022068.4).
Identifiers: ClinVar variation 3039612 (VCV003039612.5), dbSNP rs139705172, ClinGen allele CA8892128.

ClinVar aggregate classification (germline): Benign/Likely benign. Review status: criteria provided, multiple submitters, no conflicts (2 of 4 stars). 3 submissions from 3 submitters: Benign (1); Likely benign (1). 1 of the submissions does not count toward it. Last evaluated 2025-11-11.

Conditions:
PIEZO2-related disorder. Also called: PIEZO2-related disorders; PIEZO2-related condition.

Allele frequency attached by ClinVar (database versions not stated): ESP Exome Variant Server 0.00015; gnomAD 0.00027; gnomAD exomes 0.00029; 1000 Genomes Project 30x 0.00031; TOPMed 0.00039; 1000 Genomes Project 0.00040; ExAC 0.00054.
gnomAD v4.1: 480 of 1,614,204 alleles (0.03%); highest among the groups gnomAD compares: South Asian, 0.2%; 5 homozygotes.

Submissions (3):

Women's Health and Genetics/Laboratory Corporation of America, LabCorp
Classification: Likely benign. Last evaluated: 2025-11-11. Review status: criteria provided, single submitter. Criteria: LabCorp Variant Classification Summary - May 2015. Collection method: clinical testing. Allele origin: germline.

Labcorp Genetics (formerly Invitae), Labcorp
Classification: Benign. Last evaluated: 2025-07-24. Review status: criteria provided, single submitter. Criteria: Invitae Variant Classification Sherloc (09022015). Collection method: clinical testing. Allele origin: germline.

PreventionGenetics, part of Exact Sciences
Classification: Likely benign for PIEZO2-related condition. Last evaluated: 2020-01-08. Review status: no assertion criteria provided. Collection method: clinical testing. Allele origin: germline. Not counted in ClinVar's aggregate classification.
Comment: This variant is classified as likely benign based on ACMG/AMP sequence variant interpretation guidelines (Richards et al. 2015 PMID: 25741868, with internal and published modifications).